The following is an entry in ClinVar:

NM_001378615.1(CC2D2A):c.4112T>C (p.Leu1371Pro)

Genes: CC2D2A (coiled-coil and C2 domain containing 2A; plus strand), FBXL5 (F-box and leucine rich repeat protein 5; minus strand). Cytogenetic location: 4p15.32.
Variant type: single nucleotide variant.
Coding change: c.4112T>C on transcript NM_001378615.1 (MANE Select); coding-DNA position 4112, T replaced by C.
Protein change: p.Leu1371Pro; replaces leucine 1371 with proline.
Molecular consequence: missense variant.
Genome position (GRCh38, 1-based): chr4:15,587,862, T>C. VCF-style: chr4-15587862-T-C. GRCh37 (hg19) VCF-style: chr4-15589485-T-C.
Other names: c.3965T>C, p.Leu1322Pro (NM_001378617.1); c.4112T>C, p.Leu1371Pro (NM_001080522.2); short protein forms L1322P, L1371P.
Identifiers: ClinVar variation 4813728 (VCV004813728.1).

ClinVar aggregate classification (germline): Likely pathogenic (1 of 4 stars; one submission).

Conditions:
Meckel syndrome, type 6. Identifiers: Orphanet 564, MedGen C2676790, MONDO:0012848, OMIM 612284.

Submission:

Variantyx, Inc.
Classification: Likely pathogenic for Meckel syndrome, type 6. Last evaluated: 2025-07-10. Review status: criteria provided, single submitter. Criteria: Variantyx Assertion Criteria 2022. Collection method: clinical testing. Allele origin: germline. Inheritance: Autosomal recessive inheritance. Affected: yes.
Comment: This is a nonsynonymous variant in the CC2D2A gene (OMIM: 612013). Pathogenic variants in this gene have been associated with autosomal recessive CC2D2A-related ciliopathy, including Meckel syndrome 6. Multiple computational algorithms predict a deleterious effect for this variant (REVEL score: 0.817) (PP3). This variant is absent from control populations (PM2). The clinical symptoms reported for this proband are highly specific for autosomal recessive Meckel syndrome 6, which has a limited genetic etiology (PMID: 31411728) (PP4). Based on the current evidence, this variant is classified as likely pathogenic for autosomal recessive CC2D2A-related ciliopathy, including Meckel syndrome 6.

Literature cited by the submitters: PubMed 31411728.